The following is an entry in ClinVar:

NM_001267550.2(TTN):c.69997G>T (p.Val23333Phe)

Genes: TTN (titin; minus strand), TTN-AS1 (TTN antisense RNA 1; plus strand), LOC126806422 (BRD4-independent group 4 enhancer GRCh37_chr2:179440205-179441404; plus strand). Cytogenetic location: 2q31.2.
Variant type: single nucleotide variant.
Coding change: c.69997G>T on transcript NM_001267550.2 (MANE Select); coding-DNA position 69997, G replaced by T.
Protein change: p.Val23333Phe; replaces valine 23333 with phenylalanine.
Molecular consequence: missense variant.
Genome position (GRCh38, 1-based): chr2:178,576,135, C>A on the plus strand (G>T on the coding strand, the complement: TTN is on the minus strand). VCF-style: chr2-178576135-C-A. GRCh37 (hg19) VCF-style: chr2-179440862-C-A.
Other names: c.65074G>T, p.Val21692Phe (NM_001256850.1); c.42802G>T, p.Val14268Phe (NM_003319.4); c.62293G>T, p.Val20765Phe (NM_133378.4); c.43177G>T, p.Val14393Phe (NM_133432.3); c.43378G>T, p.Val14460Phe (NM_133437.4); short protein forms V23333F, V20765F, V14268F, V14393F, V21692F, V14460F.
Identifiers: ClinVar variation 1739343 (VCV001739343.2), dbSNP rs1710003146, ClinGen allele CA349665461.

ClinVar aggregate classification (germline): Uncertain significance (1 of 4 stars; one submission).

Conditions:
Cardiovascular phenotype. Identifiers: MedGen CN230736.

Allele frequency attached by ClinVar (database versions not stated): gnomAD exomes below 0.00001; TOPMed below 0.00001.
gnomAD v4.1: 1 of 1,613,406 alleles (0.000062%); highest among the groups gnomAD compares: Non-Finnish European, 0.000085%; no homozygotes.

Submission:

Ambry Genetics
Classification: Uncertain significance for Cardiovascular phenotype. Last evaluated: 2019-08-22. Review status: criteria provided, single submitter. Criteria: Ambry Variant Classification Scheme 2023. Collection method: clinical testing. Allele origin: germline.
Comment: The p.V14268F variant (also known as c.42802G>T), located in coding exon 153 of the TTN gene, results from a G to T substitution at nucleotide position 42802. The valine at codon 14268 is replaced by phenylalanine, an amino acid with highly similar properties. This amino acid position is highly conserved in available vertebrate species. In addition, this alteration is predicted to be tolerated by in silico analysis. Since supporting evidence is limited at this time, the clinical significance of this alteration remains unclear.